The following is an entry in ClinVar:

ClinVar aggregate classification (germline): Likely benign. Review status: criteria provided, multiple submitters, no conflicts (2 of 4 stars). 2 submissions from 2 submitters: Likely benign (2). Last evaluated 2026-01-07.

Conditions:
KBG syndrome (KBGS). Also called: ANKRD11-Related KBG Syndrome. Identifiers: Orphanet 2332, MedGen C0220687, MONDO:0007846, OMIM 148050.

Allele frequency attached by ClinVar (database versions not stated): ExAC 0.00001; gnomAD exomes 0.00001.
gnomAD v4.1: 10 of 1,611,672 alleles (0.00062%); highest among the groups gnomAD compares: Non-Finnish European, 0.00085%; no homozygotes.

Submissions (2):

Labcorp Genetics (formerly Invitae), Labcorp
Classification: Likely benign for KBG syndrome. Last evaluated: 2026-01-07. Review status: criteria provided, single submitter. Criteria: Invitae Variant Classification Sherloc (09022015). Collection method: clinical testing. Allele origin: germline.

CeGaT Center for Human Genetics Tuebingen
Classification: Likely benign. Last evaluated: 2022-04-01. Review status: criteria provided, single submitter. Criteria: CeGaT Center For Human Genetics Tuebingen Variant Classification Criteria Version 2. Collection method: clinical testing. Allele origin: germline. Affected: yes. Observed: 1 variant allele.
Comment: ANKRD11: BP4, BP7

NM_013275.6(ANKRD11):c.7248C>T (p.Ala2416=)

Gene: ANKRD11 (ankyrin repeat domain 11; minus strand). Cytogenetic location: 16q24.3.
Variant type: single nucleotide variant.
Coding change: c.7248C>T on transcript NM_013275.6 (MANE Select); coding-DNA position 7248, C replaced by T.
Protein change: p.Ala2416=; no amino-acid change (alanine 2416 retained).
Molecular consequence: synonymous variant.
Genome position (GRCh38, 1-based): chr16:89,279,294, G>A on the plus strand (C>T on the coding strand, the complement: ANKRD11 is on the minus strand). VCF-style: chr16-89279294-G-A. GRCh37 (hg19) VCF-style: chr16-89345702-G-A.
Other names: c.7248C>T, p.Ala2416= (NM_001256182.2, NM_001256183.2).
Identifiers: ClinVar variation 2647057 (VCV002647057.26), dbSNP rs756552353, ClinGen allele CA8241267.